The following is an entry in ClinVar:

NM_198965.2(PTHLH):c.178_181del (p.Leu60fs)

Gene: PTHLH (parathyroid hormone like hormone; minus strand). Cytogenetic location: 12p11.22.
Variant type: Microsatellite.
Coding change: c.178_181del on transcript NM_198965.2 (MANE Select); coding-DNA positions 178 to 181, 4 bases deleted (CTTC; older notation c.178_181delCTTC).
Protein change: p.Leu60fs; shifts the reading frame from leucine 60.
Molecular consequence: frameshift variant.
Genome position (GRCh38, 1-based): chr12:27,963,691-27,963,694, GAAG deleted on the plus strand (CTTC on the coding strand, the reverse complement: PTHLH is on the minus strand); deleting any 4 consecutive bases within chr12:27,963,691-27,963,698 gives the same sequence; the c. name uses the placement nearest the transcript's 3' end. VCF-style (leftmost placement, unchanged base first): chr12-27963690-TGAAG-T. GRCh37 (hg19) VCF-style: chr12-28116623-TGAAG-T.
Other names: c.178_181del, p.Leu60fs (NM_002820.3, NM_198964.2, NM_198966.2); short protein forms L60fs.
Identifiers: ClinVar variation 2704575 (VCV002704575.3), dbSNP rs2539962892, ClinGen allele CA2697559144.

ClinVar aggregate classification (germline): Pathogenic (1 of 4 stars; one submission).

Submission:

Labcorp Genetics (formerly Invitae), Labcorp
Classification: Pathogenic. Last evaluated: 2023-12-21. Review status: criteria provided, single submitter. Criteria: Invitae Variant Classification Sherloc (09022015). Collection method: clinical testing. Allele origin: germline.
Comment: This sequence change creates a premature translational stop signal (p.Leu60Thrfs*3) in the PTHLH gene. It is expected to result in an absent or disrupted protein product. Loss-of-function variants in PTHLH are known to be pathogenic (PMID: 20170896, 26640227, 26763883). This variant is not present in population databases (gnomAD no frequency). This variant has not been reported in the literature in individuals affected with PTHLH-related conditions. For these reasons, this variant has been classified as Pathogenic.

Literature cited by the submitters: PubMed 20170896; PubMed 26640227; PubMed 26763883.